The following is an entry in ClinVar:

ClinVar aggregate classification (germline): Conflicting classifications of pathogenicity. Review status: criteria provided, conflicting classifications (1 of 4 stars). 4 submissions from 4 submitters: Uncertain significance (2); Likely benign (1). 1 of the submissions does not count toward it. Last evaluated 2024-08-04.

Conditions:
ZNF469-related disorder. Also called: ZNF469-related condition.
Cardiovascular phenotype. Identifiers: MedGen CN230736.

Allele frequency attached by ClinVar (database versions not stated): gnomAD 0.00001; gnomAD exomes 0.00001 and 0.00006; TOPMed 0.00003.
gnomAD v4.1: 20 of 1,548,872 alleles (0.0013%); highest among the groups gnomAD compares: Admixed American, 0.016%; no homozygotes.

Submissions (4):

Ambry Genetics
Classification: Likely benign for Cardiovascular phenotype. Last evaluated: 2024-08-04. Review status: criteria provided, single submitter. Criteria: Ambry Variant Classification Scheme 2023. Collection method: clinical testing. Allele origin: germline.

Labcorp Genetics (formerly Invitae), Labcorp
Classification: Uncertain significance. Last evaluated: 2022-08-09. Review status: criteria provided, single submitter. Criteria: Invitae Variant Classification Sherloc (09022015). Collection method: clinical testing. Allele origin: germline.
Comment: This sequence change replaces proline, which is neutral and non-polar, with serine, which is neutral and polar, at codon 899 of the ZNF469 protein (p.Pro899Ser). This variant is present in population databases (no rsID available, gnomAD 0.03%). This variant has not been reported in the literature in individuals affected with ZNF469-related conditions. ClinVar contains an entry for this variant (Variation ID: 1375103). Algorithms developed to predict the effect of missense changes on protein structure and function output the following: SIFT: "Tolerated"; PolyPhen-2: "Benign"; Align-GVGD: "Class C0". The serine amino acid residue is found in multiple mammalian species, which suggests that this missense change does not adversely affect protein function. In summary, the available evidence is currently insufficient to determine the role of this variant in disease. Therefore, it has been classified as a Variant of Uncertain Significance.

CeGaT Center for Human Genetics Tuebingen
Classification: Uncertain significance. Last evaluated: 2022-02-01. Review status: criteria provided, single submitter. Criteria: CeGaT Center For Human Genetics Tuebingen Variant Classification Criteria Version 2. Collection method: clinical testing. Allele origin: germline. Affected: yes. Observed: 1 variant allele.

PreventionGenetics, part of Exact Sciences
Classification: Uncertain significance for ZNF469-related condition. Last evaluated: 2024-08-17. Review status: no assertion criteria provided. Collection method: clinical testing. Allele origin: germline. Not counted in ClinVar's aggregate classification.
Comment: The ZNF469 c.2695C>T variant is predicted to result in the amino acid substitution p.Pro899Ser. To our knowledge, this variant has not been reported in the literature. This variant is reported in 0.033% of alleles in individuals of Latino descent in gnomAD. At this time, the clinical significance of this variant is uncertain due to the absence of conclusive functional and genetic evidence.

NM_001367624.2(ZNF469):c.2695C>T (p.Pro899Ser)

Gene: ZNF469 (zinc finger protein 469; plus strand). Cytogenetic location: 16q24.2.
Variant type: single nucleotide variant.
Coding change: c.2695C>T on transcript NM_001367624.2 (MANE Select); coding-DNA position 2695, C replaced by T.
Protein change: p.Pro899Ser; replaces proline 899 with serine.
Molecular consequence: missense variant.
Genome position (GRCh38, 1-based): chr16:88,430,165, C>T. VCF-style: chr16-88430165-C-T. GRCh37 (hg19) VCF-style: chr16-88496573-C-T.
Other names: NM_001127464.2:c.2695C>T; NM_001127464.1:c.2695C>T; short protein forms P899S.
Identifiers: ClinVar variation 1375103 (VCV001375103.36), dbSNP rs973845764, ClinGen allele CA286373947.